The following is an entry in ClinVar:

NM_000064.4(C3):c.2209C>T (p.Gln737Ter)

Gene: C3 (complement C3; minus strand). Cytogenetic location: 19p13.3.
Variant type: single nucleotide variant.
Coding change: c.2209C>T on transcript NM_000064.4 (MANE Select); coding-DNA position 2209, C replaced by T.
Protein change: p.Gln737Ter; replaces glutamine 737 with a stop codon.
Molecular consequence: nonsense.
Genome position (GRCh38, 1-based): chr19:6,707,112, G>A on the plus strand (C>T on the coding strand, the complement: C3 is on the minus strand). VCF-style: chr19-6707112-G-A. GRCh37 (hg19) VCF-style: chr19-6707123-G-A.
Other names: short protein forms Q737*.
Identifiers: ClinVar variation 2760684 (VCV002760684.3), dbSNP rs2512257929, ClinGen allele CA403636852.

ClinVar aggregate classification (germline): Pathogenic (1 of 4 stars; one submission).

Submission:

Labcorp Genetics (formerly Invitae), Labcorp
Classification: Pathogenic. Last evaluated: 2023-09-14. Review status: criteria provided, single submitter. Criteria: Invitae Variant Classification Sherloc (09022015). Collection method: clinical testing. Allele origin: germline.
Comment: This sequence change creates a premature translational stop signal (p.Gln737*) in the C3 gene. It is expected to result in an absent or disrupted protein product. Loss-of-function variants in C3 are known to be pathogenic (PMID: 12462331, 14639503, 21501302). This variant is not present in population databases (gnomAD no frequency). This variant has not been reported in the literature in individuals affected with C3-related conditions. For these reasons, this variant has been classified as Pathogenic.

Literature cited by the submitters: PubMed 12462331; PubMed 14639503; PubMed 21501302.